The following is an entry in ClinVar:

ClinVar aggregate classification (germline): Likely benign (1 of 4 stars; one submission).

Submission:

CeGaT Center for Human Genetics Tuebingen
Classification: Likely benign. Last evaluated: 2023-09-01. Review status: criteria provided, single submitter. Criteria: CeGaT Center For Human Genetics Tuebingen Variant Classification Criteria Version 2. Collection method: clinical testing. Allele origin: germline. Affected: yes. Observed: 1 variant allele.
Comment: TET2: PM2:Supporting, BP4, BP7

NM_001127208.3(TET2):c.4761T>C (p.Asp1587=)

Genes: TET2 (tet methylcytosine dioxygenase 2; plus strand), TET2-AS1 (TET2 antisense RNA 1; minus strand). Cytogenetic location: 4q24.
Variant type: single nucleotide variant.
Coding change: c.4761T>C on transcript NM_001127208.3 (MANE Select); coding-DNA position 4761, T replaced by C.
Protein change: p.Asp1587=; no amino-acid change (aspartic acid 1587 retained).
Molecular consequence: synonymous variant.
Genome position (GRCh38, 1-based): chr4:105,275,271, T>C. VCF-style: chr4-105275271-T-C. GRCh37 (hg19) VCF-style: chr4-106196428-T-C.
Identifiers: ClinVar variation 2655000 (VCV002655000.24), dbSNP rs2476745666, ClinGen allele CA440814177.